The following is an entry in ClinVar:

NM_005236.3(ERCC4):c.2612A>G (p.Lys871Arg)

Gene: ERCC4 (ERCC excision repair 4, endonuclease catalytic subunit; plus strand). Cytogenetic location: 16p13.12.
Variant type: single nucleotide variant.
Coding change: c.2612A>G on transcript NM_005236.3 (MANE Select); coding-DNA position 2612, A replaced by G.
Protein change: p.Lys871Arg; replaces lysine 871 with arginine.
Molecular consequence: missense variant.
Genome position (GRCh38, 1-based): chr16:13,948,208, A>G. VCF-style: chr16-13948208-A-G. GRCh37 (hg19) VCF-style: chr16-14042065-A-G.
Other names: short protein forms K871R.
Identifiers: ClinVar variation 2013440 (VCV002013440.4), dbSNP rs2543196878, ClinGen allele CA394824590.
Genomic context (GRCh38, chr16:13,948,208, plus strand): 5'-TCTTGTTAAAAATGCCAGGGGTGAATGCCAAAAACTGCCGCTCCTTGATGCACCACGTTA[A>G]GAACATCGCAGAATTAGCAGCCCTGTCACAAGACGAGCTCACGAGTATTCTGGGGAATGC-3'
Protein context (NP_005227.1, residues 861-881): KNCRSLMHHV[Lys871Arg]NIAELAALSQ

ClinVar aggregate classification (germline): Uncertain significance (1 of 4 stars; one submission).

Conditions:
Cockayne syndrome. Identifiers: Orphanet 191, MedGen C0009207, MONDO:0016006.
Fanconi anemia complementation group Q. Identifiers: Orphanet 84, MedGen C3808988, MONDO:0014108, OMIM 615272.
Xeroderma pigmentosum, group F (XPF). Also called: XERODERMA PIGMENTOSUM, TYPE F; Xeroderma pigmentosum, type 6; ERCC4-Related Xeroderma Pigmentosum; XERODERMA PIGMENTOSUM VI; XP, GROUP F; XERODERMA PIGMENTOSUM, COMPLEMENTATION GROUP F. Identifiers: MedGen C0268140, MONDO:0010215, OMIM 278760.

Submission:

Labcorp Genetics (formerly Invitae), Labcorp
Classification: Uncertain significance for Fanconi anemia complementation group Q; Xeroderma pigmentosum, group F; Cockayne syndrome. Last evaluated: 2022-07-03. Review status: criteria provided, single submitter. Criteria: Invitae Variant Classification Sherloc (09022015). Collection method: clinical testing. Allele origin: germline.
Comment: In summary, the available evidence is currently insufficient to determine the role of this variant in disease. Therefore, it has been classified as a Variant of Uncertain Significance. Experimental studies have shown that this missense change does not substantially affect ERCC4 function (PMID: 32034146). Algorithms developed to predict the effect of missense changes on protein structure and function output the following: SIFT: "Tolerated"; PolyPhen-2: "Benign"; Align-GVGD: "Class C0". The arginine amino acid residue is found in multiple mammalian species, which suggests that this missense change does not adversely affect protein function. This variant has not been reported in the literature in individuals affected with ERCC4-related conditions. This variant is not present in population databases (gnomAD no frequency). This sequence change replaces lysine, which is basic and polar, with arginine, which is basic and polar, at codon 871 of the ERCC4 protein (p.Lys871Arg).

Literature cited by the submitters: PubMed 32034146.